The following is an entry in ClinVar:

ClinVar aggregate classification (germline): Uncertain significance. Review status: criteria provided, multiple submitters, no conflicts (2 of 4 stars). 2 submissions from 2 submitters: Uncertain significance (2). Last evaluated 2025-12-04.

Conditions:
DCHS1-related disorder. Also called: DCHS1-related condition.

Allele frequency attached by ClinVar (database versions not stated): gnomAD exomes 0.00001; ExAC 0.00004; TOPMed 0.00004.

Submissions (2):

PreventionGenetics, part of Exact Sciences
Classification: Uncertain significance for DCHS1-related condition. Last evaluated: 2025-12-04. Review status: criteria provided, single submitter. Criteria: ACMG Guidelines, 2015. Collection method: clinical testing. Allele origin: germline.
Comment: The DCHS1 c.5789G>A variant is predicted to result in the amino acid substitution p.Ser1930Asn. To our knowledge, this variant has not been reported in the literature. This variant is reported in 0.029% of alleles in individuals of Latino descent in gnomAD. At this time, the clinical significance of this variant is uncertain due to the absence of conclusive functional and genetic evidence.

Labcorp Genetics (formerly Invitae), Labcorp
Classification: Uncertain significance. Last evaluated: 2025-05-26. Review status: criteria provided, single submitter. Criteria: Invitae Variant Classification Sherloc (09022015). Collection method: clinical testing. Allele origin: germline.
Comment: This sequence change replaces serine, which is neutral and polar, with asparagine, which is neutral and polar, at codon 1930 of the DCHS1 protein (p.Ser1930Asn). This variant is present in population databases (rs756996099, gnomAD 0.03%). This variant has not been reported in the literature in individuals affected with DCHS1-related conditions. ClinVar contains an entry for this variant (Variation ID: 1935536). Invitae Evidence Modeling of protein sequence and biophysical properties (such as structural, functional, and spatial information, amino acid conservation, physicochemical variation, residue mobility, and thermodynamic stability) indicates that this missense variant is not expected to disrupt DCHS1 protein function with a negative predictive value of 80%. In summary, the available evidence is currently insufficient to determine the role of this variant in disease. Therefore, it has been classified as a Variant of Uncertain Significance.

NM_003737.4(DCHS1):c.5789G>A (p.Ser1930Asn)

Gene: DCHS1 (dachsous cadherin-related 1; minus strand). Cytogenetic location: 11p15.4.
Variant type: single nucleotide variant.
Coding change: c.5789G>A on transcript NM_003737.4 (MANE Select); coding-DNA position 5789, G replaced by A.
Protein change: p.Ser1930Asn; replaces serine 1930 with asparagine.
Molecular consequence: missense variant.
Genome position (GRCh38, 1-based): chr11:6,627,250, C>T on the plus strand (G>A on the coding strand, the complement: DCHS1 is on the minus strand). VCF-style: chr11-6627250-C-T. GRCh37 (hg19) VCF-style: chr11-6648481-C-T.
Other names: c.5789G>A (NM_003737.3); short protein forms S1930N.
Identifiers: ClinVar variation 1935536 (VCV001935536.6), dbSNP rs756996099, ClinGen allele CA5860026.